The following is an entry in ClinVar:

NM_000180.4(GUCY2D):c.1787T>A (p.Leu596Gln)

Gene: GUCY2D (guanylate cyclase 2D, retinal; plus strand). Cytogenetic location: 17p13.1.
Variant type: single nucleotide variant.
Coding change: c.1787T>A on transcript NM_000180.4 (MANE Select); coding-DNA position 1787, T replaced by A.
Protein change: p.Leu596Gln; replaces leucine 596 with glutamine.
Molecular consequence: missense variant.
Genome position (GRCh38, 1-based): chr17:8,012,181, T>A. VCF-style: chr17-8012181-T-A. GRCh37 (hg19) VCF-style: chr17-7915499-T-A.
Other names: short protein forms L596Q.
Identifiers: ClinVar variation 2941166 (VCV002941166.3), dbSNP rs780537281, ClinGen allele CA8365898.

ClinVar aggregate classification (germline): Uncertain significance (1 of 4 stars; one submission).

Conditions:
Leber congenital amaurosis 1 (LCA1). Also called: AMAUROSIS CONGENITA OF LEBER I; RETINAL BLINDNESS, CONGENITAL; Congenital absence of the rods and cones; Leber's congenital tapetoretinal degeneration; Leber's congenital tapetoretinal dysplasia. Identifiers: Orphanet 65, MedGen C2931258, MONDO:0008764, OMIM 204000.
Cone-rod dystrophy 6 (CORD6). Also called: RETINAL CONE DYSTROPHY 2; Cone dystrophy progressive. Identifiers: Orphanet 1872, MedGen C1866293, MONDO:0011143, OMIM 601777.

gnomAD v4.1: 1 of 1,614,056 alleles (0.000062%); highest among the groups gnomAD compares: African/African-American, 0.0013%; no homozygotes.

Submission:

Labcorp Genetics (formerly Invitae), Labcorp
Classification: Uncertain significance for Leber congenital amaurosis 1; Cone-rod dystrophy 6. Last evaluated: 2022-10-31. Review status: criteria provided, single submitter. Criteria: Invitae Variant Classification Sherloc (09022015). Collection method: clinical testing. Allele origin: germline.
Comment: In summary, the available evidence is currently insufficient to determine the role of this variant in disease. Therefore, it has been classified as a Variant of Uncertain Significance. Advanced modeling of protein sequence and biophysical properties (such as structural, functional, and spatial information, amino acid conservation, physicochemical variation, residue mobility, and thermodynamic stability) performed at Invitae indicates that this missense variant is not expected to disrupt GUCY2D protein function. This variant has not been reported in the literature in individuals affected with GUCY2D-related conditions. The frequency data for this variant in the population databases is considered unreliable, as metrics indicate poor data quality at this position in the gnomAD database. This sequence change replaces leucine, which is neutral and non-polar, with glutamine, which is neutral and polar, at codon 596 of the GUCY2D protein (p.Leu596Gln).